The following is an entry in ClinVar:

ClinVar aggregate classification (germline): Likely benign. Review status: criteria provided, multiple submitters, no conflicts (2 of 4 stars). 3 submissions from 3 submitters: Likely benign (2). 1 of the submissions does not count toward it. Last evaluated 2024-09-01.

Conditions:
ARID1A-related disorder. Also called: ARID1A-related condition.

Allele frequency attached by ClinVar (database versions not stated): gnomAD exomes below 0.00001; ExAC 0.00001; gnomAD 0.00001; TOPMed 0.00002.

Submissions (3):

CeGaT Center for Human Genetics Tuebingen
Classification: Likely benign. Last evaluated: 2024-09-01. Review status: criteria provided, single submitter. Criteria: CeGaT Center For Human Genetics Tuebingen Variant Classification Criteria Version 2. Collection method: clinical testing. Allele origin: germline. Affected: yes. Observed: 1 variant allele.
Comment: ARID1A: BP4, BP7

Labcorp Genetics (formerly Invitae), Labcorp
Classification: Likely benign. Last evaluated: 2024-05-02. Review status: criteria provided, single submitter. Criteria: Invitae Variant Classification Sherloc (09022015). Collection method: clinical testing. Allele origin: germline.

PreventionGenetics, part of Exact Sciences
Classification: Likely benign for ARID1A-related condition. Last evaluated: 2023-07-19. Review status: no assertion criteria provided. Collection method: clinical testing. Allele origin: germline. Not counted in ClinVar's aggregate classification.
Comment: This variant is classified as likely benign based on ACMG/AMP sequence variant interpretation guidelines (Richards et al. 2015 PMID: 25741868, with internal and published modifications).

NM_006015.6(ARID1A):c.1734G>A (p.Ala578=)

Gene: ARID1A (AT-rich interaction domain 1A; plus strand). Cytogenetic location: 1p36.11.
Variant type: single nucleotide variant.
Coding change: c.1734G>A on transcript NM_006015.6 (MANE Select); coding-DNA position 1734, G replaced by A.
Protein change: p.Ala578=; no amino-acid change (alanine 578 retained).
Molecular consequence: synonymous variant.
Genome position (GRCh38, 1-based): chr1:26,731,535, G>A. VCF-style: chr1-26731535-G-A. GRCh37 (hg19) VCF-style: chr1-27058026-G-A.
Other names: c.1734G>A, p.Ala578= (NM_139135.4).
Identifiers: ClinVar variation 2162804 (VCV002162804.20), dbSNP rs777196299, ClinGen allele CA706833.